The following is an entry in ClinVar:

ClinVar aggregate classification (germline): Pathogenic (1 of 4 stars; one submission).

Submission:

Labcorp Genetics (formerly Invitae), Labcorp
Classification: Pathogenic. Last evaluated: 2023-06-14. Review status: criteria provided, single submitter. Criteria: Invitae Variant Classification Sherloc (09022015). Collection method: clinical testing. Allele origin: germline.
Comment: This sequence change creates a premature translational stop signal (p.Gly890Glufs*5) in the TPO gene. It is expected to result in an absent or disrupted protein product. Loss-of-function variants in TPO are known to be pathogenic (PMID: 11061528, 23236987, 25564141). This variant is not present in population databases (gnomAD no frequency). This variant has not been reported in the literature in individuals affected with TPO-related conditions. For these reasons, this variant has been classified as Pathogenic.

Literature cited by the submitters: PubMed 11061528; PubMed 23236987; PubMed 25564141.

NM_001206744.2(TPO):c.2669del (p.Gly890fs)

Genes: LALTOP (lung cancer associated lncRNA targeting TOP2A; minus strand), TPO (thyroid peroxidase; plus strand), LOC126806104 (CDK7 strongly-dependent group 2 enhancer GRCh37_chr2:1544276-1545475; plus strand). Cytogenetic location: 2p25.3.
Variant type: Deletion.
Coding change: c.2669del on transcript NM_001206744.2 (MANE Select); coding-DNA position 2669, one base deleted (G; older notation c.2669delG).
Protein change: p.Gly890fs; shifts the reading frame from glycine 890.
Molecular consequence: frameshift variant.
Genome position (GRCh38, 1-based): chr2:1,540,644, G deleted; the last of 2 consecutive G bases (chr2:1,540,643-1,540,644); deleting either gives the same sequence. VCF-style (leftmost placement, unchanged base first): chr2-1540642-AG-A. GRCh37 (hg19) VCF-style: chr2-1544414-AG-A.
Other names: c.2669del, p.Gly890fs (NM_000547.6); c.2498del, p.Gly833fs (NM_001206745.2, NM_175719.4); c.2537del, p.Gly846fs (NM_175721.3); c.2150del, p.Gly717fs (NM_175722.3); short protein forms G833fs, G846fs, G890fs, G717fs.
Identifiers: ClinVar variation 2712942 (VCV002712942.3), dbSNP rs2546802277, ClinGen allele CA2697547805.
Genomic context (GRCh38, chr2:1,540,642, plus strand): 5'-TGTCTCCCACAGGACACGCACTGGCACTAAATCCACACTGCCCATCTCGGAGACAGGCGG[AG>A]GAACTCCCGAGCTGAGATGCGGAAAGCACCAGGCCGTAGGGACCTCACCGCAGCGGGCCG-3'